The following is an entry in ClinVar:

ClinVar aggregate classification (germline): Uncertain significance (1 of 4 stars; one submission).

Submission:

GeneDx
Classification: Uncertain significance. Last evaluated: 2026-03-07. Review status: criteria provided, single submitter. Criteria: GeneDx Variant Classification Process June 2021. Collection method: clinical testing. Allele origin: germline.
Comment: Not observed at significant frequency in large population cohorts (gnomAD); In silico analysis suggests that this missense variant does not alter protein structure/function; Has not been previously published as pathogenic or benign to our knowledge

NM_014762.4(DHCR24):c.640G>A (p.Val214Ile)

Gene: DHCR24 (24-dehydrocholesterol reductase; minus strand). Cytogenetic location: 1p32.3.
Variant type: single nucleotide variant.
Coding change: c.640G>A on transcript NM_014762.4 (MANE Select); coding-DNA position 640, G replaced by A.
Protein change: p.Val214Ile; replaces valine 214 with isoleucine.
Molecular consequence: missense variant.
Genome position (GRCh38, 1-based): chr1:54,871,586, C>T on the plus strand (G>A on the coding strand, the complement: DHCR24 is on the minus strand). VCF-style: chr1-54871586-C-T. GRCh37 (hg19) VCF-style: chr1-55337259-C-T.
Other names: short protein forms V214I.
Identifiers: ClinVar variation 5008380 (VCV005008380.1).